The following is an entry in ClinVar:

ClinVar aggregate classification (germline): Uncertain significance (1 of 4 stars; one submission).

Conditions:
Immunodeficiency 39 (IMD39). Identifiers: Orphanet 574918, MedGen C4225358, MONDO:0014597, OMIM 616345.

Allele frequency attached by ClinVar (database versions not stated): TOPMed 0.00001; gnomAD 0.00002; gnomAD exomes below 0.00001.
gnomAD v4.1: 4 of 1,566,198 alleles (0.00026%); highest among the groups gnomAD compares: African/African-American, 0.0027%; no homozygotes.

Submission:

Labcorp Genetics (formerly Invitae), Labcorp
Classification: Uncertain significance for Immunodeficiency 39. Last evaluated: 2025-07-22. Review status: criteria provided, single submitter. Criteria: Invitae Variant Classification Sherloc (09022015). Collection method: clinical testing. Allele origin: germline.
Comment: This sequence change affects a donor splice site in intron 3 of the IRF7 gene. It is expected to disrupt RNA splicing. Variants that disrupt the donor or acceptor splice site typically lead to a loss of protein function (PMID: 16199547), however the current clinical and genetic evidence is not sufficient to establish whether loss-of-function variants in IRF7 cause disease. The frequency data for this variant in the population databases is considered unreliable, as metrics indicate poor data quality at this position in the gnomAD database. This variant has not been reported in the literature in individuals affected with IRF7-related conditions. ClinVar contains an entry for this variant (Variation ID: 2960439). Algorithms developed to predict the effect of sequence changes on RNA splicing suggest that this variant may disrupt the consensus splice site. In summary, the available evidence is currently insufficient to determine the role of this variant in disease. Therefore, it has been classified as a Variant of Uncertain Significance.

Literature cited by the submitters: PubMed 16199547.

NM_001572.5(IRF7):c.453+1G>A

Gene: IRF7 (interferon regulatory factor 7; minus strand). Cytogenetic location: 11p15.5.
Variant type: single nucleotide variant.
Coding change: c.453+1G>A on transcript NM_001572.5 (MANE Select); the canonical splice donor site of the intron after coding-DNA position 453, G replaced by A.
Molecular consequence: splice donor variant.
Genome position (GRCh38, 1-based): chr11:614,475, C>T on the plus strand (G>A on the coding strand, the complement: IRF7 is on the minus strand). VCF-style: chr11-614475-C-T. GRCh37 (hg19) VCF-style: chr11-614475-C-T.
Other names: c.453+1G>A (NM_004029.4); c.492+1G>A (NM_004031.4).
Identifiers: ClinVar variation 2960439 (VCV002960439.3), dbSNP rs1035010949, ClinGen allele CA216912396.